The following is an entry in ClinVar:

NM_000275.3(OCA2):c.515+3A>G

Gene: OCA2 (OCA2 melanosomal transmembrane protein; minus strand). Cytogenetic location: 15q13.1.
Variant type: single nucleotide variant.
Coding change: c.515+3A>G on transcript NM_000275.3 (MANE Select); 3 bases into the intron after coding-DNA position 515, A replaced by G.
Molecular consequence: intron variant.
Genome position (GRCh38, 1-based): chr15:28,027,868, T>C on the plus strand (A>G on the coding strand, the complement: OCA2 is on the minus strand). VCF-style: chr15-28027868-T-C. GRCh37 (hg19) VCF-style: chr15-28273014-T-C.
Other names: c.515+3A>G (NM_001300984.2).
Identifiers: ClinVar variation 1370642 (VCV001370642.3), dbSNP rs2042801145, ClinGen allele CA2166427602.

ClinVar aggregate classification (germline): Uncertain significance. Review status: criteria provided, multiple submitters, no conflicts (2 of 4 stars). 2 submissions from 2 submitters: Uncertain significance (2). Last evaluated 2023-04-10.

Allele frequency attached by ClinVar (database versions not stated): gnomAD exomes below 0.00001; TOPMed 0.00001.
gnomAD v4.1: 3 of 1,612,510 alleles (0.00019%); highest among the groups gnomAD compares: African/African-American, 0.0013%; no homozygotes.

Submissions (2):

GeneDx
Classification: Uncertain significance. Last evaluated: 2023-04-10. Review status: criteria provided, single submitter. Criteria: GeneDx Variant Classification Process June 2021. Collection method: clinical testing. Allele origin: germline. Affected: yes.
Comment: Not observed at significant frequency in large population cohorts (gnomAD); Has not been previously published as pathogenic or benign to our knowledge; In silico analysis is inconclusive as to whether the variant alters gene splicing. In the absence of RNA/functional studies, the actual effect of this sequence change is unknown.

Labcorp Genetics (formerly Invitae), Labcorp
Classification: Uncertain significance. Last evaluated: 2021-07-28. Review status: criteria provided, single submitter. Criteria: Invitae Variant Classification Sherloc (09022015). Collection method: clinical testing. Allele origin: germline.
Comment: This sequence change falls in intron 4 of the OCA2 gene. It does not directly change the encoded amino acid sequence of the OCA2 protein. It affects a nucleotide within the consensus splice site of the intron. This variant is not present in population databases (ExAC no frequency). This variant has not been reported in the literature in individuals affected with OCA2-related conditions. Nucleotide substitutions within the consensus splice site are a relatively common cause of aberrant splicing (PMID: 17576681, 9536098). Algorithms developed to predict the effect of sequence changes on RNA splicing suggest that this variant may disrupt the consensus splice site. In summary, the available evidence is currently insufficient to determine the role of this variant in disease. Therefore, it has been classified as a Variant of Uncertain Significance.

Literature cited by the submitters: PubMed 17576681 (cited by Labcorp Genetics (formerly Invitae), Labcorp); PubMed 9536098 (cited by Labcorp Genetics (formerly Invitae), Labcorp).